The following is an entry in ClinVar:

ClinVar aggregate classification (germline): Uncertain significance. Review status: criteria provided, multiple submitters, no conflicts (2 of 4 stars). 2 submissions from 2 submitters: Uncertain significance (2). Last evaluated 2022-03-15.

Allele frequency attached by ClinVar (database versions not stated): gnomAD 0.00001; gnomAD exomes 0.00001; TOPMed 0.00001; ExAC 0.00002.
gnomAD v4.1: 15 of 1,614,036 alleles (0.00093%); highest among the groups gnomAD compares: Non-Finnish European, 0.0012%; no homozygotes.

Submissions (2):

Labcorp Genetics (formerly Invitae), Labcorp
Classification: Uncertain significance. Last evaluated: 2022-03-15. Review status: criteria provided, single submitter. Criteria: Invitae Variant Classification Sherloc (09022015). Collection method: clinical testing. Allele origin: germline.
Comment: In summary, the available evidence is currently insufficient to determine the role of this variant in disease. Therefore, it has been classified as a Variant of Uncertain Significance. Algorithms developed to predict the effect of missense changes on protein structure and function (SIFT, PolyPhen-2, Align-GVGD) all suggest that this variant is likely to be tolerated. This variant has not been reported in the literature in individuals affected with LRIT3-related conditions. This variant is present in population databases (rs761097698, gnomAD 0.002%). This sequence change replaces threonine, which is neutral and polar, with asparagine, which is neutral and polar, at codon 423 of the LRIT3 protein (p.Thr423Asn).

Blueprint Genetics
Classification: Uncertain significance. Last evaluated: 2017-07-28. Review status: criteria provided, single submitter. Criteria: ACMG Guidelines, 2015. Collection method: clinical testing. Allele origin: germline.

NM_198506.5(LRIT3):c.1268C>A (p.Thr423Asn)

Gene: LRIT3 (leucine rich repeat, Ig-like and transmembrane domains 3; plus strand). Cytogenetic location: 4q25.
Variant type: single nucleotide variant.
Coding change: c.1268C>A on transcript NM_198506.5 (MANE Select); coding-DNA position 1268, C replaced by A.
Protein change: p.Thr423Asn; replaces threonine 423 with asparagine.
Molecular consequence: missense variant.
Genome position (GRCh38, 1-based): chr4:109,870,017, C>A. VCF-style: chr4-109870017-C-A. GRCh37 (hg19) VCF-style: chr4-110791173-C-A.
Other names: short protein forms T423N.
Identifiers: ClinVar variation 1937900 (VCV001937900.6), dbSNP rs761097698, ClinGen allele CA3043160.